The following is an entry in ClinVar:

NM_000059.4(BRCA2):c.8620G>T (p.Glu2874Ter)

Gene: BRCA2 (BRCA2 DNA repair associated; plus strand). Cytogenetic location: 13q13.1.
Variant type: single nucleotide variant.
Coding change: c.8620G>T on transcript NM_000059.4 (MANE Select); coding-DNA position 8620, G replaced by T.
Protein change: p.Glu2874Ter; replaces glutamic acid 2874 with a stop codon.
Molecular consequence: nonsense.
Genome position (GRCh38, 1-based): chr13:32,371,088, G>T. VCF-style: chr13-32371088-G-T. GRCh37 (hg19) VCF-style: chr13-32945225-G-T.
Other names: 8848G>T; short protein forms E2874*.
Identifiers: ClinVar variation 52635 (VCV000052635.5), dbSNP rs397507996, ClinGen allele CA025736.
Genomic context (GRCh38, chr13:32,371,088, plus strand): 5'-TATGTGGAGGCCCAACAAAAGAGACTAGAAGCCTTATTCACTAAAATTCAGGAGGAATTT[G>T]AAGAACATGAAGGTAAAATTAGTTATATGGTACACATTGTTATTTCTAATATGAGAACAA-3'

ClinVar aggregate classification (germline): Pathogenic. Review status: reviewed by expert panel (3 of 4 stars). 2 submissions from 2 submitters: Pathogenic (1). 1 of the submissions does not count toward it. Last evaluated 2016-04-22.

Conditions:
Breast-ovarian cancer, familial, susceptibility to, 2 (BROVCA2). Also called: BRCA2 Hereditary Breast and Ovarian Cancer. Identifiers: Orphanet 145, MedGen C2675520, MONDO:0012933, OMIM 612555. Disease mechanism: loss of function.

Submissions (2):

Evidence-based Network for the Interpretation of Germline Mutant Alleles (ENIGMA)
Classification: Pathogenic for Breast-ovarian cancer, familial, susceptibility to, 2. Last evaluated: 2016-04-22. Review status: reviewed by expert panel. Criteria: ENIGMA BRCA1/2 Classification Criteria (2015). Collection method: curation. Allele origin: germline.
Comment: Variant allele predicted to encode a truncated non-functional protein.

Consortium of Investigators of Modifiers of BRCA1/2 (CIMBA), c/o University of Cambridge
Classification: Pathogenic for Breast-ovarian cancer, familial, susceptibility to, 2. Last evaluated: 2015-10-02. Review status: criteria provided, single submitter. Criteria: CIMBA Mutation Classification guidelines May 2016. Collection method: clinical testing. Allele origin: germline. Not counted in ClinVar's aggregate classification.